The following is an entry in ClinVar:

ClinVar aggregate classification (germline): Uncertain significance (1 of 4 stars; one submission).

Submission:

Labcorp Genetics (formerly Invitae), Labcorp
Classification: Uncertain significance. Last evaluated: 2022-02-11. Review status: criteria provided, single submitter. Criteria: Invitae Variant Classification Sherloc (09022015). Collection method: clinical testing. Allele origin: germline.
Comment: This variant has not been reported in the literature in individuals affected with FAT4-related conditions. This sequence change replaces glycine, which is neutral and non-polar, with arginine, which is basic and polar, at codon 1857 of the FAT4 protein (p.Gly1857Arg). This variant also falls at the last nucleotide of exon 3, which is part of the consensus splice site for this exon. This variant is not present in population databases (gnomAD no frequency). Algorithms developed to predict the effect of missense changes on protein structure and function (SIFT, PolyPhen-2, Align-GVGD) all suggest that this variant is likely to be disruptive. Variants that disrupt the consensus splice site are a relatively common cause of aberrant splicing (PMID: 17576681, 9536098). Algorithms developed to predict the effect of sequence changes on RNA splicing suggest that this variant may disrupt the consensus splice site. In summary, the available evidence is currently insufficient to determine the role of this variant in disease. Therefore, it has been classified as a Variant of Uncertain Significance.

Literature cited by the submitters: PubMed 17576681; PubMed 9536098.

NM_001291303.3(FAT4):c.5569G>C (p.Gly1857Arg)

Gene: FAT4 (FAT atypical cadherin 4; plus strand). Cytogenetic location: 4q28.1.
Variant type: single nucleotide variant.
Coding change: c.5569G>C on transcript NM_001291303.3 (MANE Select); coding-DNA position 5569, G replaced by C.
Protein change: p.Gly1857Arg; replaces glycine 1857 with arginine.
Molecular consequence: missense variant.
Genome position (GRCh38, 1-based): chr4:125,407,141, G>C. VCF-style: chr4-125407141-G-C. GRCh37 (hg19) VCF-style: chr4-126328296-G-C.
Other names: c.5569G>C, p.Gly1857Arg (NM_001291285.3, NM_024582.6); short protein forms G1857R.
Identifiers: ClinVar variation 2096939 (VCV002096939.4), dbSNP rs1734650117, ClinGen allele CA358122950.